The following is an entry in ClinVar:

NC_000012.11:g.(?_103288493)_(103352733_?)dup

Genes: ASCL1 (achaete-scute family bHLH transcription factor 1; plus strand), PAH (phenylalanine hydroxylase; minus strand). Cytogenetic location: 12q23.2.
Variant type: Duplication.
Identifiers: ClinVar variation 2422790 (VCV002422790.4).

ClinVar aggregate classification (germline): Uncertain significance (1 of 4 stars; one submission).

Conditions:
Phenylketonuria (PKU). Also called: OLIGOPHRENIA PHENYLPYRUVICA; Phenylketonurias; Phenylketonuria (PKU); FOLLING DISEASE. Identifiers: Orphanet 716, MedGen C0031485, MONDO:0009861, OMIM 261600. Disease mechanism: loss of function.

Submission:

Labcorp Genetics (formerly Invitae), Labcorp
Classification: Uncertain significance for Phenylketonuria. Last evaluated: 2022-02-03. Review status: criteria provided, single submitter. Criteria: Invitae Variant Classification Sherloc (09022015). Collection method: clinical testing. Allele origin: germline.
Comment: In summary, the available evidence is currently insufficient to determine the role of this variant in disease. Therefore, it has been classified as a Variant of Uncertain Significance. Experimental studies and prediction algorithms are not available or were not evaluated, and the functional significance of this variant is currently unknown. This variant has not been reported in the literature in individuals affected with PAH-related conditions. This variant results in a copy number gain of the genomic region encompassing exon(s) 1-3 of the PAH gene. This region includes the initiator codon of the gene. This copy number gain extends beyond the assayed region for this gene and therefore may encompass additional genes. As the precise location of this event is unknown, it may be in tandem or it may be located elsewhere in the genome.